The following is an entry in ClinVar:

ClinVar aggregate classification (germline): Likely benign. Review status: criteria provided, single submitter (1 of 4 stars). 2 submissions from 2 submitters: Likely benign (1). 1 of the submissions does not count toward it. Last evaluated 2026-01-25.

Conditions:
ACAT1-related disorder. Also called: ACAT1-related condition.
Deficiency of acetyl-CoA acetyltransferase. Also called: 3-KETOTHIOLASE DEFICIENCY; 3-OXOTHIOLASE DEFICIENCY; MITOCHONDRIAL ACETOACETYL-CoA THIOLASE DEFICIENCY; Beta-ketothiolase deficiency. Identifiers: Orphanet 134, MedGen C1536500, MONDO:0008760, OMIM 203750. Disease mechanism: loss of function.

Allele frequency attached by ClinVar (database versions not stated): TOPMed 0.00002; gnomAD exomes 0.00009.
gnomAD v4.1: 18 of 1,550,782 alleles (0.0012%); highest among the groups gnomAD compares: Admixed American, 0.033%; no homozygotes.

Submissions (2):

Labcorp Genetics (formerly Invitae), Labcorp
Classification: Likely benign for Deficiency of acetyl-CoA acetyltransferase. Last evaluated: 2026-01-25. Review status: criteria provided, single submitter. Criteria: Invitae Variant Classification Sherloc (09022015). Collection method: clinical testing. Allele origin: germline.

PreventionGenetics, part of Exact Sciences
Classification: Likely benign for ACAT1-related condition. Last evaluated: 2023-07-27. Review status: no assertion criteria provided. Collection method: clinical testing. Allele origin: germline. Not counted in ClinVar's aggregate classification.
Comment: This variant is classified as likely benign based on ACMG/AMP sequence variant interpretation guidelines (Richards et al. 2015 PMID: 25741868, with internal and published modifications).

NM_000019.4(ACAT1):c.22C>T (p.Leu8=)

Gene: ACAT1 (acetyl-CoA acetyltransferase 1; plus strand). Cytogenetic location: 11q22.3.
Variant type: single nucleotide variant.
Coding change: c.22C>T on transcript NM_000019.4 (MANE Select); coding-DNA position 22, C replaced by T.
Protein change: p.Leu8=; no amino-acid change (leucine 8 retained).
Molecular consequence: synonymous variant. On other transcripts: 5 prime UTR variant (3), non-coding transcript variant (2), intron variant (2).
Genome position (GRCh38, 1-based): chr11:108,121,628, C>T. VCF-style: chr11-108121628-C-T. GRCh37 (hg19) VCF-style: chr11-107992355-C-T.
Other names: c.22C>T, p.Leu8= (NM_001386677.1, NM_001386678.1); c.-256C>T (NM_001386679.1); c.-343C>T (NM_001386685.1); c.-348C>T (NM_001386686.1); c.-416+4726C>T (NM_001386682.1); c.-199+4726C>T (NM_001386681.1); c.22C>T (NM_000019.3).
Identifiers: ClinVar variation 1117423 (VCV001117423.11), dbSNP rs775668624, ClinGen allele CA6262982.
Genomic context (GRCh38, chr11:108,121,628, plus strand): 5'-GTCTACGCCTGTGGAGCCGATACTCAGCCCTCTGCGACCATGGCTGTGCTGGCGGCACTT[C>T]TGCGCAGCGGCGCCCGCAGCCGCAGCCCCCTGCTCCGGAGGCTGGTGCAGGTGAGCGGGG-3'
Protein context (NP_000010.1, residues 1-18): MAVLAAL[Leu8=]RSGARSRSPL